The following is an entry in ClinVar:

NM_000264.5(PTCH1):c.2798C>T (p.Ala933Val)

Gene: PTCH1 (patched 1; minus strand). Cytogenetic location: 9q22.32.
Variant type: single nucleotide variant.
Coding change: c.2798C>T on transcript NM_000264.5 (MANE Select); coding-DNA position 2798, C replaced by T.
Protein change: p.Ala933Val; replaces alanine 933 with valine.
Molecular consequence: missense variant. On other transcripts: non-coding transcript variant (1).
Genome position (GRCh38, 1-based): chr9:95,459,689, G>A on the plus strand (C>T on the coding strand, the complement: PTCH1 is on the minus strand). VCF-style: chr9-95459689-G-A. GRCh37 (hg19) VCF-style: chr9-98221971-G-A.
Other names: c.2600C>T, p.Ala867Val (NM_001083602.3); c.2795C>T, p.Ala932Val (NM_001083603.3); c.2345C>T, p.Ala782Val (NM_001083604.3, NM_001083605.3, NM_001083606.3 and 1 more transcripts); c.2642C>T, p.Ala881Val (NM_001354918.2); short protein forms A867V, A933V, A932V, A881V, A782V.
Identifiers: ClinVar variation 579318 (VCV000579318.15), dbSNP rs768558478, ClinGen allele CA5138322.

ClinVar aggregate classification (germline): Uncertain significance. Review status: criteria provided, multiple submitters, no conflicts (2 of 4 stars). 2 submissions from 2 submitters: Uncertain significance (2). Last evaluated 2025-12-11.

Conditions:
Hereditary cancer-predisposing syndrome. Also called: Hereditary neoplastic syndrome; Tumor predisposition; Hereditary Cancer Syndrome; Neoplastic Syndromes, Hereditary. Identifiers: Orphanet 140162, MedGen C0027672, MeSH D009386, MONDO:0015356.
Gorlin syndrome. Also called: Basal cell nevus syndrome; Nevoid Basal Cell Carcinoma Syndrome. Identifiers: Orphanet 377, MedGen C0004779, MONDO:0007187.

Allele frequency attached by ClinVar (database versions not stated): TOPMed 0.00001; gnomAD exomes below 0.00001; ExAC 0.00001.
gnomAD v4.1: 5 of 1,614,210 alleles (0.00031%); highest among the groups gnomAD compares: Non-Finnish European, 0.00034%; no homozygotes.

Submissions (2):

Ambry Genetics
Classification: Uncertain significance for Hereditary cancer-predisposing syndrome. Last evaluated: 2025-12-11. Review status: criteria provided, single submitter. Criteria: Ambry Variant Classification Scheme 2023. Collection method: clinical testing. Allele origin: germline.
Comment: The p.A933V variant (also known as c.2798C>T), located in coding exon 17 of the PTCH1 gene, results from a C to T substitution at nucleotide position 2798. The alanine at codon 933 is replaced by valine, an amino acid with similar properties. This amino acid position is highly conserved in available vertebrate species. In addition, the in silico prediction for this alteration is inconclusive. Since supporting evidence is limited at this time, the clinical significance of this alteration remains unclear.

Labcorp Genetics (formerly Invitae), Labcorp
Classification: Uncertain significance for Gorlin syndrome. Last evaluated: 2024-08-21. Review status: criteria provided, single submitter. Criteria: Invitae Variant Classification Sherloc (09022015). Collection method: clinical testing. Allele origin: germline.
Comment: This sequence change replaces alanine, which is neutral and non-polar, with valine, which is neutral and non-polar, at codon 933 of the PTCH1 protein (p.Ala933Val). This variant is present in population databases (rs768558478, gnomAD 0.0009%). This variant has not been reported in the literature in individuals affected with PTCH1-related conditions. ClinVar contains an entry for this variant (Variation ID: 579318). Invitae Evidence Modeling of protein sequence and biophysical properties (such as structural, functional, and spatial information, amino acid conservation, physicochemical variation, residue mobility, and thermodynamic stability) has been performed for this missense variant. However, the output from this modeling did not meet the statistical confidence thresholds required to predict the impact of this variant on PTCH1 protein function. In summary, the available evidence is currently insufficient to determine the role of this variant in disease. Therefore, it has been classified as a Variant of Uncertain Significance.